The following is an entry in ClinVar:

ClinVar aggregate classification (germline): Benign. Review status: criteria provided, multiple submitters, no conflicts (2 of 4 stars). 3 submissions from 3 submitters: Benign (2). 1 of the submissions does not count toward it. Last evaluated 2026-01-28.

Conditions:
MCM5-related disorder. Also called: MCM5-related condition.

Allele frequency attached by ClinVar (database versions not stated): ExAC 0.00637; gnomAD 0.01850 and 0.02005; 1000 Genomes Project 0.01997; TOPMed 0.02163; ESP Exome Variant Server 0.02257; 1000 Genomes Project 30x 0.02280.
gnomAD v4.1: 5,824 of 1,602,020 alleles (0.36%); highest among the groups gnomAD compares: African/African-American, 6.6%; 179 homozygotes.

Submissions (9):

Labcorp Genetics (formerly Invitae), Labcorp
Classification: Benign. Last evaluated: 2026-01-28. Review status: criteria provided, single submitter. Criteria: Invitae Variant Classification Sherloc (09022015). Collection method: clinical testing. Allele origin: germline.

Breakthrough Genomics
Classification: Benign. Review status: criteria provided, single submitter. Criteria: ACMG Guidelines, 2015. Collection method: not provided. Allele origin: germline. Inheritance: Autosomal recessive inheritance. Affected: yes.

PreventionGenetics, part of Exact Sciences
Classification: Benign for MCM5-related condition. Last evaluated: 2019-09-24. Review status: no assertion criteria provided. Collection method: clinical testing. Allele origin: germline. Not counted in ClinVar's aggregate classification.
Comment: This variant is classified as benign based on ACMG/AMP sequence variant interpretation guidelines (Richards et al. 2015 PMID: 25741868, with internal and published modifications).

Dr. Peter K. Rogan Lab, Western University
No classification provided (evidence only). Condition: Acute myeloid leukemia. Review status: no classification provided. Collection method: in vitro. Allele origin: not applicable. Functional consequence: retained intron. Not counted in ClinVar's aggregate classification.

Dr. Peter K. Rogan Lab, Western University
No classification provided (evidence only). Condition: Acute myeloid leukemia. Review status: no classification provided. Collection method: in vitro. Allele origin: not applicable. Functional consequence: retained intron. Not counted in ClinVar's aggregate classification.

Dr. Peter K. Rogan Lab, Western University
No classification provided (evidence only). Condition: Acute myeloid leukemia. Review status: no classification provided. Collection method: in vitro. Allele origin: not applicable. Functional consequence: skipped exon. Not counted in ClinVar's aggregate classification.

Dr. Peter K. Rogan Lab, Western University
No classification provided (evidence only). Condition: Ovarian serous cystadenocarcinoma. Review status: no classification provided. Collection method: in vitro. Allele origin: not applicable. Functional consequence: retained intron. Not counted in ClinVar's aggregate classification.

Dr. Peter K. Rogan Lab, Western University
No classification provided (evidence only). Condition: Ovarian serous cystadenocarcinoma. Review status: no classification provided. Collection method: in vitro. Allele origin: not applicable. Functional consequence: retained intron. Not counted in ClinVar's aggregate classification.

Dr. Peter K. Rogan Lab, Western University
No classification provided (evidence only). Condition: Gastric cancer. Review status: no classification provided. Collection method: in vitro. Allele origin: not applicable. Functional consequence: retained intron. Not counted in ClinVar's aggregate classification.

NM_006739.4(MCM5):c.1832+10C>T

Gene: MCM5 (minichromosome maintenance complex component 5; plus strand). Cytogenetic location: 22q12.3.
Variant type: single nucleotide variant.
Coding change: c.1832+10C>T on transcript NM_006739.4 (MANE Select); 10 bases into the intron after coding-DNA position 1832, C replaced by T.
Molecular consequence: intron variant.
Genome position (GRCh38, 1-based): chr22:35,420,022, C>T. VCF-style: chr22-35420022-C-T. GRCh37 (hg19) VCF-style: chr22-35816015-C-T.
Identifiers: ClinVar variation 777702 (VCV000777702.15), dbSNP rs2307338, ClinGen allele CA10205521.